The following is an entry in ClinVar:

NM_000551.4(VHL):c.369G>A (p.Gly123=)

Genes: VHL (von Hippel-Lindau tumor suppressor; plus strand), LOC107303340 (3p25 von Hippel-Lindau tumor suppressor, E3 ubiquitin protein ligase Alu-mediated recombination region; plus strand). Cytogenetic location: 3p25.3.
Variant type: single nucleotide variant.
Coding change: c.369G>A on transcript NM_000551.4 (MANE Select); coding-DNA position 369, G replaced by A.
Protein change: p.Gly123=; no amino-acid change (glycine 123 retained).
Molecular consequence: synonymous variant. On other transcripts: non-coding transcript variant (1), intron variant (2).
Genome position (GRCh38, 1-based): chr3:10,146,542, G>A. VCF-style: chr3-10146542-G-A. GRCh37 (hg19) VCF-style: chr3-10188226-G-A.
Other names: c.*18-3245G>A (NM_001354723.2); c.341-3245G>A (NM_198156.3).
Identifiers: ClinVar variation 4071344 (VCV004071344.1).

ClinVar aggregate classification (germline): Benign (1 of 4 stars; one submission).

Conditions:
Von Hippel-Lindau syndrome (VHLS). Also called: Von Hippel-Lindau; von Hippel–Lindau syndrome; VHL syndrome. Identifiers: Orphanet 892, MedGen C0019562, MONDO:0008667, OMIM 193300. Disease mechanism: loss of function.

Submission:

Myriad Genetics, Inc.
Classification: Benign for Von Hippel-Lindau syndrome. Last evaluated: 2025-06-11. Review status: criteria provided, single submitter. Criteria: Myriad Autosomal Dominant, Autosomal Recessive and X-Linked Classification Criteria (2023). Collection method: clinical testing. Allele origin: unknown.
Comment: This variant is considered benign. This variant is a silent/synonymous amino acid change and it is not expected to impact splicing.